The following is an entry in ClinVar:

ClinVar aggregate classification (germline): Uncertain significance (1 of 4 stars; one submission).

Conditions:
Hereditary cancer-predisposing syndrome. Also called: Neoplastic Syndromes, Hereditary; Tumor predisposition; Hereditary Cancer Syndrome; Hereditary neoplastic syndrome. Identifiers: Orphanet 140162, MedGen C0027672, MeSH D009386, MONDO:0015356.

Submission:

Ambry Genetics
Classification: Uncertain significance for Hereditary cancer-predisposing syndrome. Last evaluated: 2021-12-20. Review status: criteria provided, single submitter. Criteria: Ambry Variant Classification Scheme 2023. Collection method: clinical testing. Allele origin: germline.
Comment: The p.Q286H variant (also known as c.858G>T), located in coding exon 7 of the NBN gene, results from a G to T substitution at nucleotide position 858. The glutamine at codon 286 is replaced by histidine, an amino acid with highly similar properties. This amino acid position is conserved. In addition, this alteration is predicted to be tolerated by in silico analysis. Since supporting evidence is limited at this time, the clinical significance of this alteration remains unclear.

NM_002485.5(NBN):c.858G>T (p.Gln286His)

Gene: NBN (nibrin; minus strand). Cytogenetic location: 8q21.3.
Variant type: single nucleotide variant.
Coding change: c.858G>T on transcript NM_002485.5 (MANE Select); coding-DNA position 858, G replaced by T.
Protein change: p.Gln286His; replaces glutamine 286 with histidine.
Molecular consequence: missense variant.
Genome position (GRCh38, 1-based): chr8:89,970,402, C>A on the plus strand (G>T on the coding strand, the complement: NBN is on the minus strand). VCF-style: chr8-89970402-C-A. GRCh37 (hg19) VCF-style: chr8-90982630-C-A.
Other names: c.612G>T, p.Gln204His (NM_001024688.3); short protein forms Q204H, Q286H.
Identifiers: ClinVar variation 1763951 (VCV001763951.2), dbSNP rs1811452496, ClinGen allele CA371658358.